The following is an entry in ClinVar:

ClinVar aggregate classification (germline): Uncertain significance. Review status: criteria provided, multiple submitters, no conflicts (2 of 4 stars). 3 submissions from 3 submitters: Uncertain significance (3). Last evaluated 2025-10-02.

Conditions:
Hereditary cancer-predisposing syndrome. Also called: Tumor predisposition; Hereditary Cancer Syndrome; Hereditary neoplastic syndrome; Neoplastic Syndromes, Hereditary. Identifiers: Orphanet 140162, MedGen C0027672, MeSH D009386, MONDO:0015356.
Idiopathic hypereosinophilic syndrome (HES). Identifiers: Orphanet 3260, MedGen C0206141, MONDO:0011895, OMIM 607685. Disease mechanism: gain of function.
Gastrointestinal stromal tumor. Also called: Gastrointestinal stroma tumor; Gastrointestinal stromal tumor, somatic. Identifiers: Orphanet 44890, MedGen C0238198, MeSH D046152, MONDO:0011719, OMIM 606764, HP:0100723.

Allele frequency attached by ClinVar (database versions not stated): gnomAD 0.00001.
gnomAD v4.1: 2 of 1,613,790 alleles (0.00012%); highest among the groups gnomAD compares: African/African-American, 0.0027%; no homozygotes.

Submissions (3):

Ambry Genetics
Classification: Uncertain significance for Hereditary cancer-predisposing syndrome. Last evaluated: 2025-10-02. Review status: criteria provided, single submitter. Criteria: Ambry Variant Classification Scheme 2023. Collection method: clinical testing. Allele origin: germline.
Comment: The p.T992I variant (also known as c.2975C>T), located in coding exon 21 of the PDGFRA gene, results from a C to T substitution at nucleotide position 2975. The threonine at codon 992 is replaced by isoleucine, an amino acid with similar properties. This amino acid position is not well conserved in available vertebrate species. In addition, this alteration is predicted to be tolerated by in silico analysis. Loss of function has not been established as a mechanism of disease. Based on the available evidence, the clinical significance of this variant remains unclear.

Revvity Omics, Revvity
Classification: Uncertain significance for Idiopathic hypereosinophilic syndrome. Last evaluated: 2022-04-26. Review status: criteria provided, single submitter. Criteria: ACMG Guidelines, 2015. Collection method: clinical testing. Allele origin: germline.

Labcorp Genetics (formerly Invitae), Labcorp
Classification: Uncertain significance for Gastrointestinal stromal tumor. Last evaluated: 2021-12-09. Review status: criteria provided, single submitter. Criteria: Invitae Variant Classification Sherloc (09022015). Collection method: clinical testing. Allele origin: germline.
Comment: In summary, the available evidence is currently insufficient to determine the role of this variant in disease. Therefore, it has been classified as a Variant of Uncertain Significance. Algorithms developed to predict the effect of missense changes on protein structure and function are either unavailable or do not agree on the potential impact of this missense change (SIFT: "Deleterious"; PolyPhen-2: "Benign"; Align-GVGD: "Class C0"). This variant has not been reported in the literature in individuals affected with PDGFRA-related conditions. This variant is present in population databases (no rsID available, gnomAD 0.01%). This sequence change replaces threonine, which is neutral and polar, with isoleucine, which is neutral and non-polar, at codon 992 of the PDGFRA protein (p.Thr992Ile).

NM_006206.6(PDGFRA):c.2975C>T (p.Thr992Ile)

Gene: PDGFRA (platelet derived growth factor receptor alpha; plus strand). Cytogenetic location: 4q12.
Variant type: single nucleotide variant.
Coding change: c.2975C>T on transcript NM_006206.6 (MANE Select); coding-DNA position 2975, C replaced by T.
Protein change: p.Thr992Ile; replaces threonine 992 with isoleucine.
Molecular consequence: missense variant.
Genome position (GRCh38, 1-based): chr4:54,290,407, C>T. VCF-style: chr4-54290407-C-T. GRCh37 (hg19) VCF-style: chr4-55156574-C-T.
Other names: c.3050C>T, p.Thr1017Ile (NM_001347828.2); c.2975C>T, p.Thr992Ile (NM_001347829.2); c.3014C>T, p.Thr1005Ile (NM_001347830.2); short protein forms T1005I, T1017I, T992I.
Identifiers: ClinVar variation 2201771 (VCV002201771.7), dbSNP rs1437358654, ClinGen allele CA356896103.